The following is an entry in ClinVar:

NM_001017979.3(RAB28):c.1A>C (p.Met1Leu)

Genes: RAB28 (RAB28, member RAS oncogene family; minus strand), LOC111828517 (Sharpr-MPRA regulatory regions 1971 and 3941; plus strand). Cytogenetic location: 4p15.33.
Variant type: single nucleotide variant.
Coding change: c.1A>C on transcript NM_001017979.3 (MANE Select); coding-DNA position 1, A replaced by C.
Protein change: p.Met1Leu; changes the start codon (methionine 1).
Molecular consequence: missense variant, initiator codon variant.
Genome position (GRCh38, 1-based): chr4:13,484,150, T>G on the plus strand (A>C on the coding strand, the complement: RAB28 is on the minus strand). VCF-style: chr4-13484150-T-G. GRCh37 (hg19) VCF-style: chr4-13485774-T-G.
Other names: c.1A>C, p.Met1Leu (NM_001159601.2, NM_004249.4); short protein forms M1L.
Identifiers: ClinVar variation 1525019 (VCV001525019.7), dbSNP rs1716757266, ClinGen allele CA356375288.

ClinVar aggregate classification (germline): Conflicting classifications of pathogenicity. Review status: criteria provided, conflicting classifications (1 of 4 stars). 2 submissions from 2 submitters: Likely pathogenic (1); Uncertain significance (1). Last evaluated 2022-07-06.

Conditions:
RAB28-related disorder. Also called: RAB28-related condition.

Allele frequency attached by ClinVar (database versions not stated): TOPMed below 0.00001; gnomAD 0.00001.

Submissions (2):

Labcorp Genetics (formerly Invitae), Labcorp
Classification: Uncertain significance. Last evaluated: 2022-07-06. Review status: criteria provided, single submitter. Criteria: Invitae Variant Classification Sherloc (09022015). Collection method: clinical testing. Allele origin: germline.
Comment: In summary, the available evidence is currently insufficient to determine the role of this variant in disease. Therefore, it has been classified as a Variant of Uncertain Significance. Experimental studies and prediction algorithms are not available or were not evaluated, and the functional significance of this variant is currently unknown. ClinVar contains an entry for this variant (Variation ID: 1525019). This variant has not been reported in the literature in individuals affected with RAB28-related conditions. This variant is not present in population databases (gnomAD no frequency). This sequence change affects the initiator methionine of the RAB28 mRNA. The next in-frame methionine is located at codon 78.

Blueprint Genetics
Classification: Likely pathogenic for RAB28-related disorders. Last evaluated: 2019-08-08. Review status: criteria provided, single submitter. Criteria: ACMG Guidelines, 2015. Collection method: clinical testing. Allele origin: germline. Affected: yes. Observed: 1 variant allele.